The following is an entry in ClinVar:

NM_001134398.2(VAV2):c.363G>A (p.Ala121=)

Gene: VAV2 (vav guanine nucleotide exchange factor 2; minus strand). Cytogenetic location: 9q34.2.
Variant type: single nucleotide variant.
Coding change: c.363G>A on transcript NM_001134398.2 (MANE Select); coding-DNA position 363, G replaced by A.
Protein change: p.Ala121=; no amino-acid change (alanine 121 retained).
Molecular consequence: synonymous variant.
Genome position (GRCh38, 1-based): chr9:133,861,391, C>T on the plus strand (G>A on the coding strand, the complement: VAV2 is on the minus strand). VCF-style: chr9-133861391-C-T. GRCh37 (hg19) VCF-style: chr9-136726513-C-T.
Other names: c.363G>A, p.Ala121= (NM_001411028.1, NM_003371.4).
Identifiers: ClinVar variation 2659702 (VCV002659702.24), dbSNP rs145591299, ClinGen allele CA5316245.

ClinVar aggregate classification (germline): Likely benign (1 of 4 stars; one submission).

Allele frequency attached by ClinVar (database versions not stated): 1000 Genomes Project 30x 0.00031; gnomAD exomes 0.00058; ESP Exome Variant Server 0.00062; gnomAD 0.00076; TOPMed 0.00079; ExAC 0.00087.
gnomAD v4.1: 1,028 of 1,613,374 alleles (0.064%); highest among the groups gnomAD compares: Middle Eastern, 0.21%; 11 homozygotes.

Submission:

CeGaT Center for Human Genetics Tuebingen
Classification: Likely benign. Last evaluated: 2022-12-01. Review status: criteria provided, single submitter. Criteria: CeGaT Center For Human Genetics Tuebingen Variant Classification Criteria Version 2. Collection method: clinical testing. Allele origin: germline. Affected: yes. Observed: 1 variant allele.
Comment: VAV2: BP4, BP7